The following is an entry in ClinVar:

NM_201384.3(PLEC):c.12179G>A (p.Arg4060Gln)

Gene: PLEC (plectin; minus strand). Cytogenetic location: 8q24.3.
Variant type: single nucleotide variant.
Coding change: c.12179G>A on transcript NM_201384.3 (MANE Select); coding-DNA position 12179, G replaced by A.
Protein change: p.Arg4060Gln; replaces arginine 4060 with glutamine.
Molecular consequence: missense variant.
Genome position (GRCh38, 1-based): chr8:143,917,642, C>T on the plus strand (G>A on the coding strand, the complement: PLEC is on the minus strand). VCF-style: chr8-143917642-C-T. GRCh37 (hg19) VCF-style: chr8-144991810-C-T.
Other names: c.12260G>A, p.Arg4087Gln (NM_000445.5); c.12137G>A, p.Arg4046Gln (NM_201378.4); c.12113G>A, p.Arg4038Gln (NM_201379.3); c.12590G>A, p.Arg4197Gln (NM_201380.4); c.12083G>A, p.Arg4028Gln (NM_201381.3); c.12179G>A, p.Arg4060Gln (NM_201382.4); c.12191G>A, p.Arg4064Gln (NM_201383.3); short protein forms R4028Q, R4038Q, R4046Q, R4060Q, R4064Q, R4087Q, R4197Q.
Identifiers: ClinVar variation 1014002 (VCV001014002.9), dbSNP rs781784602, ClinGen allele CA4924164.

ClinVar aggregate classification (germline): Uncertain significance (1 of 4 stars; one submission).

Conditions:
Epidermolysis bullosa simplex 5B, with muscular dystrophy (EBS5B). Also called: EPIDERMOLYSIS BULLOSA SIMPLEX AND LIMB-GIRDLE MUSCULAR DYSTROPHY; Epidermolysis bullosa simplex with muscular dystrophy. Identifiers: Orphanet 257, MedGen C2931072, MONDO:0009181, OMIM 226670.
Epidermolysis bullosa simplex, Ogna type (EBS5A). Also called: EPIDERMOLYSIS BULLOSA SIMPLEX 5A, OGNA TYPE; Pidermolysis bullosa simplex 5A, Ogna type. Identifiers: Orphanet 79401, MedGen C0432317, MONDO:0007555, OMIM 131950.
Epidermolysis bullosa simplex 5C, with pyloric atresia (EBS5C). Also called: Epidermolysis bullosa simplex with pyloric atresia; PLEC-Related Epidermolysis Bullosa with Pyloric Atresia; PLEC1-Related Epidermolysis Bullosa with Pyloric Atresia. Identifiers: Orphanet 158684, MedGen C2677349, MONDO:0012807, OMIM 612138.
Autosomal recessive limb-girdle muscular dystrophy type 2Q (LGMDR17). Also called: MUSCULAR DYSTROPHY, LIMB-GIRDLE, AUTOSOMAL RECESSIVE 17. Identifiers: Orphanet 254361, MedGen C3150989, MONDO:0013390, OMIM 613723.
Epidermolysis bullosa simplex with nail dystrophy (EBS5D). Identifiers: MedGen C4225309, MONDO:0014661, OMIM 616487.

Allele frequency attached by ClinVar (database versions not stated): ExAC 0.00001; gnomAD exomes 0.00001; TOPMed 0.00001.
gnomAD v4.1: 13 of 1,613,682 alleles (0.00081%); highest among the groups gnomAD compares: African/African-American, 0.0013%; no homozygotes.

Submission:

Labcorp Genetics (formerly Invitae), Labcorp
Classification: Uncertain significance for Autosomal recessive limb-girdle muscular dystrophy type 2Q; Epidermolysis bullosa simplex, Ogna type; Epidermolysis bullosa simplex with nail dystrophy; Epidermolysis bullosa simplex 5C, with pyloric atresia; Epidermolysis bullosa simplex 5B, with muscular dystrophy. Last evaluated: 2025-05-30. Review status: criteria provided, single submitter. Criteria: Invitae Variant Classification Sherloc (09022015). Collection method: clinical testing. Allele origin: germline.
Comment: This sequence change replaces arginine, which is basic and polar, with glutamine, which is neutral and polar, at codon 4087 of the PLEC protein (p.Arg4087Gln). This variant is present in population databases (rs781784602, gnomAD 0.007%). This variant has not been reported in the literature in individuals affected with PLEC-related conditions. ClinVar contains an entry for this variant (Variation ID: 1014002). Invitae Evidence Modeling of protein sequence and biophysical properties (such as structural, functional, and spatial information, amino acid conservation, physicochemical variation, residue mobility, and thermodynamic stability) indicates that this missense variant is not expected to disrupt PLEC protein function with a negative predictive value of 80%. In summary, the available evidence is currently insufficient to determine the role of this variant in disease. Therefore, it has been classified as a Variant of Uncertain Significance.